The following is an entry in ClinVar:

NM_000179.3(MSH6):c.586del (p.Cys196fs)

Gene: MSH6 (mutS homolog 6; plus strand). Cytogenetic location: 2p16.3.
Variant type: Deletion.
Coding change: c.586del on transcript NM_000179.3 (MANE Select); coding-DNA position 586, one base deleted (T; older notation c.586delT).
Protein change: p.Cys196fs; shifts the reading frame from cysteine 196.
Molecular consequence: frameshift variant. On other transcripts: 5 prime UTR variant (1), intron variant (2).
Genome position (GRCh38, 1-based): chr2:47,796,022, T deleted; the last of 3 consecutive T bases (chr2:47,796,020-47,796,022); deleting any one gives the same sequence. VCF-style (leftmost placement, unchanged base first): chr2-47796019-GT-G. GRCh37 (hg19) VCF-style: chr2-48023158-GT-G.
Other names: c.-317del (NM_001281494.2); c.-279-2589del (NM_001281493.2); c.238-2589del (NM_001281492.2); short protein forms C196fs.
Identifiers: ClinVar variation 1074039 (VCV001074039.9), dbSNP rs2104238107, ClinGen allele CA2499216089.

ClinVar aggregate classification (germline): Pathogenic. Review status: criteria provided, multiple submitters, no conflicts (2 of 4 stars). 2 submissions from 2 submitters: Pathogenic (2). Last evaluated 2024-04-24.

Conditions:
Hereditary cancer-predisposing syndrome. Also called: Tumor predisposition; Hereditary neoplastic syndrome; Neoplastic Syndromes, Hereditary; Hereditary Cancer Syndrome. Identifiers: Orphanet 140162, MedGen C0027672, MeSH D009386, MONDO:0015356.
Hereditary nonpolyposis colorectal neoplasms. Identifiers: MedGen C0009405, MeSH D003123.

Submissions (2):

Labcorp Genetics (formerly Invitae), Labcorp
Classification: Pathogenic for Hereditary nonpolyposis colorectal neoplasms. Last evaluated: 2024-04-24. Review status: criteria provided, single submitter. Criteria: Invitae Variant Classification Sherloc (09022015). Collection method: clinical testing. Allele origin: germline.
Comment: This sequence change creates a premature translational stop signal (p.Cys196Valfs*15) in the MSH6 gene. It is expected to result in an absent or disrupted protein product. Loss-of-function variants in MSH6 are known to be pathogenic (PMID: 18269114, 24362816). This variant is not present in population databases (gnomAD no frequency). This variant has not been reported in the literature in individuals affected with MSH6-related conditions. ClinVar contains an entry for this variant (Variation ID: 1074039). For these reasons, this variant has been classified as Pathogenic.

Ambry Genetics
Classification: Pathogenic for Hereditary cancer-predisposing syndrome. Last evaluated: 2019-10-11. Review status: criteria provided, single submitter. Criteria: Ambry Variant Classification Scheme 2023. Collection method: clinical testing. Allele origin: germline.
Comment: The c.586delT pathogenic mutation, located in coding exon 3 of the MSH6 gene, results from a deletion of one nucleotide at nucleotide position 586, causing a translational frameshift with a predicted alternate stop codon (p.C196Vfs*15). This alteration is expected to result in loss of function by premature protein truncation or nonsense-mediated mRNA decay. As such, this alteration is interpreted as a disease-causing mutation.

Literature cited by the submitters: PubMed 18269114 (cited by Labcorp Genetics (formerly Invitae), Labcorp); PubMed 24362816 (cited by Labcorp Genetics (formerly Invitae), Labcorp).